The following is an entry in ClinVar:

ClinVar aggregate classification (germline): Uncertain significance (0 of 4 stars; one submission).

Conditions:
SCAF4-related disorder. Also called: SCAF4-related condition.

Allele frequency attached by ClinVar (database versions not stated): gnomAD exomes below 0.00001.

Submission:

PreventionGenetics, part of Exact Sciences
Classification: Uncertain significance for SCAF4-related condition. Last evaluated: 2024-02-01. Review status: no assertion criteria provided. Collection method: clinical testing. Allele origin: germline.
Comment: The SCAF4 c.2877_2888del12 variant is predicted to result in an in-frame deletion (p.Gln963_Gln966del). To our knowledge, this variant has not been reported in the literature or in a large population database, indicating this variant is rare. At this time, the clinical significance of this variant is uncertain due to the absence of conclusive functional and genetic evidence.

NM_020706.2(SCAF4):c.2877_2888del (p.Gln963_Gln966del)

Gene: SCAF4 (SR-related CTD associated factor 4; minus strand). Cytogenetic location: 21q22.11.
Variant type: Deletion.
Coding change: c.2877_2888del on transcript NM_020706.2 (MANE Select); coding-DNA positions 2877 to 2888, 12 bases deleted (ACAGCAGCAGCA).
Protein change: p.Gln963_Gln966del.
Genome position (GRCh38, 1-based): chr21:31,671,955-31,671,966, TGCTGCTGCTGT deleted on the plus strand (ACAGCAGCAGCA on the coding strand, the reverse complement: SCAF4 is on the minus strand). VCF-style (leftmost placement, unchanged base first): chr21-31671954-CTGCTGCTGCTGT-C. GRCh37 (hg19) VCF-style: chr21-33044267-CTGCTGCTGCTGT-C.
Other names: c.2832_2843del, p.Gln948_Gln951del (NM_001145444.1); c.2811_2822del, p.Gln941_Gln944del (NM_001145445.1); c.2877_2888del12 (NM_020706.2).
Identifiers: ClinVar variation 3031204 (VCV003031204.2), dbSNP rs2516674396, ClinGen allele CA512329702.
Genomic context (GRCh38, chr21:31,671,954, plus strand): 5'-AAACTGCTGTGGCTGCTGCTGTGTTGGTGGAGGCTGTTGTGATGGTGGTGGCTGCTGCTG[CTGCTGCTGCTGT>C]GGTTGCTGGGGCGCCTGCGGCTGTGGCTGCTGCTGTGGCTGCTGCGGCGGCTGTTGCCTT-3'